The following is an entry in ClinVar:

ClinVar aggregate classification (germline): Uncertain significance (1 of 4 stars; one submission).

Allele frequency attached by ClinVar (database versions not stated): gnomAD exomes 0.00002 and 0.00006; ExAC 0.00003; gnomAD 0.00003 and 0.00004; TOPMed 0.00004.
gnomAD v4.1: 98 of 1,614,038 alleles (0.0061%); highest among the groups gnomAD compares: Non-Finnish European, 0.0081%; no homozygotes.

Submission:

Labcorp Genetics (formerly Invitae), Labcorp
Classification: Uncertain significance. Last evaluated: 2026-01-14. Review status: criteria provided, single submitter. Criteria: Invitae Variant Classification Sherloc (09022015). Collection method: clinical testing. Allele origin: germline.
Comment: This sequence change affects a donor splice site in intron 15 of the NLRP1 gene. It is expected to disrupt RNA splicing. Variants that disrupt the donor or acceptor splice site typically lead to a loss of protein function (PMID: 16199547), however the current clinical and genetic evidence is not sufficient to establish whether loss-of-function variants in NLRP1 cause disease. This variant is present in population databases (rs754501197, gnomAD 0.004%). This variant has not been reported in the literature in individuals affected with NLRP1-related conditions. ClinVar contains an entry for this variant (Variation ID: 1024885). Algorithms developed to predict the effect of sequence changes on RNA splicing suggest that this variant may disrupt the consensus splice site. In summary, the available evidence is currently insufficient to determine the role of this variant in disease. Therefore, it has been classified as a Variant of Uncertain Significance.

Literature cited by the submitters: PubMed 16199547.

NM_033004.4(NLRP1):c.4057+1G>A

Gene: NLRP1 (NLR family pyrin domain containing 1; minus strand). Cytogenetic location: 17p13.2.
Variant type: single nucleotide variant.
Coding change: c.4057+1G>A on transcript NM_033004.4 (MANE Select); the canonical splice donor site of the intron after coding-DNA position 4057, G replaced by A.
Molecular consequence: splice donor variant.
Genome position (GRCh38, 1-based): chr17:5,517,745, C>T on the plus strand (G>A on the coding strand, the complement: NLRP1 is on the minus strand). VCF-style: chr17-5517745-C-T. GRCh37 (hg19) VCF-style: chr17-5421065-C-T.
Other names: c.4069+1G>A (NM_001033053.3); c.3835+1G>A (NM_033007.4); c.3967+1G>A (NM_033006.4); c.3925+1G>A (NM_014922.5).
Identifiers: ClinVar variation 1024885 (VCV001024885.9), dbSNP rs754501197, ClinGen allele CA8326678.